The following is an entry in ClinVar:

ClinVar aggregate classification (germline): Uncertain significance (1 of 4 stars; one submission).

gnomAD v4.1: 19 of 1,135,702 alleles (0.0017%); highest among the groups gnomAD compares: East Asian, 0.006%; no homozygotes.

Submission:

Labcorp Genetics (formerly Invitae), Labcorp
Classification: Uncertain significance. Last evaluated: 2024-03-22. Review status: criteria provided, single submitter. Criteria: Invitae Variant Classification Sherloc (09022015). Collection method: clinical testing. Allele origin: germline.
Comment: This sequence change replaces glutamic acid, which is acidic and polar, with lysine, which is basic and polar, at codon 1213 of the CACNA1F protein (p.Glu1213Lys). This variant is present in population databases (no rsID available, gnomAD 0.01%). This variant has not been reported in the literature in individuals affected with CACNA1F-related conditions. Advanced modeling of protein sequence and biophysical properties (such as structural, functional, and spatial information, amino acid conservation, physicochemical variation, residue mobility, and thermodynamic stability) performed at Invitae indicates that this missense variant is not expected to disrupt CACNA1F protein function with a negative predictive value of 80%. In summary, the available evidence is currently insufficient to determine the role of this variant in disease. Therefore, it has been classified as a Variant of Uncertain Significance.

NM_001256789.3(CACNA1F):c.3604G>A (p.Glu1202Lys)

Gene: CACNA1F (calcium voltage-gated channel subunit alpha1 F; minus strand). Cytogenetic location: Xp11.23.
Variant type: single nucleotide variant.
Coding change: c.3604G>A on transcript NM_001256789.3 (MANE Select); coding-DNA position 3604, G replaced by A.
Protein change: p.Glu1202Lys; replaces glutamic acid 1202 with lysine.
Molecular consequence: missense variant.
Genome position (GRCh38, 1-based): chrX:49,214,263, C>T on the plus strand (G>A on the coding strand, the complement: CACNA1F is on the minus strand). VCF-style: chrX-49214263-C-T. GRCh37 (hg19) VCF-style: chrX-49070723-C-T.
Other names: c.3442G>A, p.Glu1148Lys (NM_001256790.3); c.3637G>A, p.Glu1213Lys (NM_005183.4); short protein forms E1148K, E1202K, E1213K.
Identifiers: ClinVar variation 3608497 (VCV003608497.2).